The following is an entry in ClinVar:

ClinVar aggregate classification (germline): Uncertain significance. Review status: criteria provided, multiple submitters, no conflicts (2 of 4 stars). 4 submissions from 4 submitters: Uncertain significance (3). 1 of the submissions does not count toward it. Last evaluated 2024-11-22.

Conditions:
Spastic paraplegia. Identifiers: MedGen C0037772, HP:0001258.
Charlevoix-Saguenay spastic ataxia (SACS). Also called: AUTOSOMAL RECESSIVE SPASTIC ATAXIA OF CHARLEVOIX-SAGUENAY; SPASTIC ATAXIA 6, AUTOSOMAL RECESSIVE; Spastic ataxia of Charlevoix-Saguenay. Identifiers: Orphanet 98, MedGen C1849140, MONDO:0010041, OMIM 270550.
Inborn genetic diseases. Identifiers: MedGen C0950123, MeSH D030342.

Allele frequency attached by ClinVar (database versions not stated): gnomAD 0.00001; TOPMed 0.00001; ExAC 0.00002; gnomAD exomes 0.00002.

Submissions (4):

Blueprint Genetics
Classification: Uncertain significance. Last evaluated: 2024-11-22. Review status: criteria provided, single submitter. Criteria: ACMG Guidelines, 2015. Collection method: clinical testing. Allele origin: germline.

Ambry Genetics
Classification: Uncertain significance for Inborn genetic diseases. Last evaluated: 2023-01-26. Review status: criteria provided, single submitter. Criteria: Ambry Variant Classification Scheme 2023. Collection method: clinical testing. Allele origin: germline.

Labcorp Genetics (formerly Invitae), Labcorp
Classification: Uncertain significance for Spastic paraplegia. Last evaluated: 2022-09-06. Review status: criteria provided, single submitter. Criteria: Invitae Variant Classification Sherloc (09022015). Collection method: clinical testing. Allele origin: germline.
Comment: This sequence change replaces histidine, which is basic and polar, with tyrosine, which is neutral and polar, at codon 861 of the SACS protein (p.His861Tyr). This variant is present in population databases (rs759265754, gnomAD 0.004%). This variant has not been reported in the literature in individuals affected with SACS-related conditions. ClinVar contains an entry for this variant (Variation ID: 658199). Algorithms developed to predict the effect of missense changes on protein structure and function are either unavailable or do not agree on the potential impact of this missense change (SIFT: "Deleterious"; PolyPhen-2: "Probably Damaging"; Align-GVGD: "Class C0"). In summary, the available evidence is currently insufficient to determine the role of this variant in disease. Therefore, it has been classified as a Variant of Uncertain Significance.

Natera, Inc.
Classification: Uncertain significance for Charlevoix-Saguenay type spastic ataxia. Last evaluated: 2020-02-26. Review status: no assertion criteria provided. Collection method: clinical testing. Allele origin: germline. Not counted in ClinVar's aggregate classification.

NM_014363.6(SACS):c.2581C>T (p.His861Tyr)

Gene: SACS (sacsin molecular chaperone; minus strand). Cytogenetic location: 13q12.12.
Variant type: single nucleotide variant.
Coding change: c.2581C>T on transcript NM_014363.6 (MANE Select); coding-DNA position 2581, C replaced by T.
Protein change: p.His861Tyr; replaces histidine 861 with tyrosine.
Molecular consequence: missense variant.
Genome position (GRCh38, 1-based): chr13:23,341,295, G>A on the plus strand (C>T on the coding strand, the complement: SACS is on the minus strand). VCF-style: chr13-23341295-G-A. GRCh37 (hg19) VCF-style: chr13-23915434-G-A.
Other names: c.2581C>T (NM_014363.4); c.2140C>T, p.His714Tyr (NM_001278055.2); short protein forms H714Y, H861Y.
Identifiers: ClinVar variation 658199 (VCV000658199.9), dbSNP rs759265754, ClinGen allele CA6911664.